The following is an entry in ClinVar:

NM_014391.3(ANKRD1):c.92G>A (p.Gly31Glu)

Gene: ANKRD1 (ankyrin repeat domain 1; minus strand). Cytogenetic location: 10q23.31.
Variant type: single nucleotide variant.
Coding change: c.92G>A on transcript NM_014391.3 (MANE Select); coding-DNA position 92, G replaced by A.
Protein change: p.Gly31Glu; replaces glycine 31 with glutamic acid.
Molecular consequence: missense variant.
Genome position (GRCh38, 1-based): chr10:90,920,284, C>T on the plus strand (G>A on the coding strand, the complement: ANKRD1 is on the minus strand). VCF-style: chr10-90920284-C-T. GRCh37 (hg19) VCF-style: chr10-92680041-C-T.
Other names: short protein forms G31E.
Identifiers: ClinVar variation 382650 (VCV000382650.4), dbSNP rs763320656, ClinGen allele CA5598846.
Genomic context (GRCh38, chr10:90,920,284, plus strand): 5'-TGGGCTAGAAGTGTCTTCAGATCCTCCTGCTTCTCTAAAGTAACAGCAGCTTCATACTCT[C>T]CATCTCTGAAATCCTCAGGAAGGAATTCCCCTGCCTCCCCATTGCCATTCTTCTTTCCAG-3'
Protein context (NP_055206.2, residues 21-41): GEFLPEDFRD[Gly31Glu]EYEAAVTLEK

ClinVar aggregate classification (germline): Uncertain significance. Review status: criteria provided, multiple submitters, no conflicts (2 of 4 stars). 2 submissions from 2 submitters: Uncertain significance (2). Last evaluated 2022-04-03.

Conditions:
Cardiovascular phenotype. Identifiers: MedGen CN230736.

Allele frequency attached by ClinVar (database versions not stated): gnomAD exomes below 0.00001; TOPMed below 0.00001; ExAC 0.00001.
gnomAD v4.1: 5 of 1,614,194 alleles (0.00031%); highest among the groups gnomAD compares: Non-Finnish European, 0.00042%; no homozygotes.

Submissions (2):

Ambry Genetics
Classification: Uncertain significance for Cardiovascular phenotype. Last evaluated: 2022-04-03. Review status: criteria provided, single submitter. Criteria: Ambry Variant Classification Scheme 2023. Collection method: clinical testing. Allele origin: germline.
Comment: The p.G31E variant (also known as c.92G>A), located in coding exon 2 of the ANKRD1 gene, results from a G to A substitution at nucleotide position 92. The glycine at codon 31 is replaced by glutamic acid, an amino acid with similar properties. This amino acid position is conserved. In addition, this alteration is predicted to be deleterious by in silico analysis. Since supporting evidence is limited at this time, the clinical significance of this alteration remains unclear.

GeneDx
Classification: Uncertain significance. Last evaluated: 2016-01-04. Review status: criteria provided, single submitter. Criteria: GeneDx Variant Classification (06012015). Collection method: clinical testing. Allele origin: germline. Affected: yes.
Comment: A variant of uncertain significance has been identified in the ANKRD1 gene. The G31E variant has not been published as a pathogenic variant, nor has it been reported as a benign variant to our knowledge. The G31E variant was not observed in approximately 6,500 individuals of European and African American ancestry in the NHLBI Exome Sequencing Project, indicating it is not a common benign variant in these populations. The G31E variant is a non-conservative amino acid substitution, which is likely to impact secondary protein structure as these residues differ in polarity, charge, size and/or other properties. This substitution occurs at a position that is conserved across species. However, in silico analysis is inconsistent in its predictions as to whether or not the variant is damaging to the protein structure/function.Therefore, based on the currently available information, it is unclear whether this variant is pathogenic or rare benign.